The following is an entry in ClinVar:

NM_017636.4(TRPM4):c.1645T>A (p.Ser549Thr)

Gene: TRPM4 (transient receptor potential cation channel subfamily M member 4; plus strand). Cytogenetic location: 19q13.33.
Variant type: single nucleotide variant.
Coding change: c.1645T>A on transcript NM_017636.4 (MANE Select); coding-DNA position 1645, T replaced by A.
Protein change: p.Ser549Thr; replaces serine 549 with threonine.
Molecular consequence: missense variant.
Genome position (GRCh38, 1-based): chr19:49,183,114, T>A. VCF-style: chr19-49183114-T-A. GRCh37 (hg19) VCF-style: chr19-49686371-T-A.
Other names: c.1645T>A, p.Ser549Thr (NM_001195227.2); c.1300T>A, p.Ser434Thr (NM_001321281.2); c.37T>A, p.Ser13Thr (NM_001321282.2); c.1123T>A, p.Ser375Thr (NM_001321283.2); c.583T>A, p.Ser195Thr (NM_001321285.2); short protein forms S549T, S13T, S434T, S375T, S195T.
Identifiers: ClinVar variation 468930 (VCV000468930.8), dbSNP rs1555756149, ClinGen allele CA406800363.
Genomic context (GRCh38, chr19:49,183,114, plus strand): 5'-CACCACCCCTCCTTTTGCTGGCAGATGTATCTGCTCTCGGACAAGGCCACCTCGCCGCTC[T>A]CGCTGGATGCTGGCCTCGGGCAGGCCCCCTGGAGCGACCTGCTTCTTTGGGCACTGTTGC-3'
Protein context (NP_060106.2, residues 539-559): LLSDKATSPL[Ser549Thr]LDAGLGQAPW

ClinVar aggregate classification (germline): Uncertain significance (1 of 4 stars; one submission).

Conditions:
Progressive familial heart block type IB (PFHB1B). Identifiers: Orphanet 871, MedGen C1970298, MONDO:0011474, OMIM 604559.

Submission:

Labcorp Genetics (formerly Invitae), Labcorp
Classification: Uncertain significance for Progressive familial heart block type IB. Last evaluated: 2022-03-09. Review status: criteria provided, single submitter. Criteria: Invitae Variant Classification Sherloc (09022015). Collection method: clinical testing. Allele origin: germline.
Comment: Algorithms developed to predict the effect of missense changes on protein structure and function output the following: SIFT: "Tolerated"; PolyPhen-2: "Benign"; Align-GVGD: "Class C0". The threonine amino acid residue is found in multiple mammalian species, which suggests that this missense change does not adversely affect protein function. In summary, the available evidence is currently insufficient to determine the role of this variant in disease. Therefore, it has been classified as a Variant of Uncertain Significance. ClinVar contains an entry for this variant (Variation ID: 468930). This variant has not been reported in the literature in individuals affected with TRPM4-related conditions. This variant is not present in population databases (gnomAD no frequency). This sequence change replaces serine, which is neutral and polar, with threonine, which is neutral and polar, at codon 549 of the TRPM4 protein (p.Ser549Thr).